The following is an entry in ClinVar:

ClinVar aggregate classification (germline): Uncertain significance (1 of 4 stars; one submission).

Allele frequency attached by ClinVar (database versions not stated): gnomAD 0.00001; gnomAD exomes 0.00002; ExAC 0.00003; TOPMed 0.00003.

Submission:

GeneDx
Classification: Uncertain significance. Last evaluated: 2026-09-13. Review status: criteria provided, single submitter. Criteria: GeneDx Variant Classification Process June 2021. Collection method: clinical testing. Allele origin: germline.
Comment: In silico analysis supports that this missense variant has a deleterious effect on protein structure/function; Has not been previously published as pathogenic or benign to our knowledge

NM_019023.5(PRMT7):c.1816G>A (p.Gly606Arg)

Genes: PRMT7 (protein arginine methyltransferase 7; plus strand), LOC130059279 (ATAC-STARR-seq lymphoblastoid active region 11013; plus strand). Cytogenetic location: 16q22.1.
Variant type: single nucleotide variant.
Coding change: c.1816G>A on transcript NM_019023.5 (MANE Select); coding-DNA position 1816, G replaced by A.
Protein change: p.Gly606Arg; replaces glycine 606 with arginine.
Molecular consequence: missense variant. On other transcripts: non-coding transcript variant (12).
Genome position (GRCh38, 1-based): chr16:68,356,705, G>A. VCF-style: chr16-68356705-G-A. GRCh37 (hg19) VCF-style: chr16-68390608-G-A.
Other names: c.1666G>A, p.Gly556Arg (NM_001184824.4); c.1816G>A, p.Gly606Arg (NM_001290018.2, NM_001351143.3, NM_001378018.1); c.1819G>A, p.Gly607Arg (NM_001351144.3); c.1609G>A, p.Gly537Arg (NM_001378020.1); c.1579G>A, p.Gly527Arg (NM_001378021.1, NM_001378022.1, NM_001378023.1); short protein forms G527R, G537R, G556R, G606R, G607R.
Identifiers: ClinVar variation 1309931 (VCV001309931.3), dbSNP rs756029692, ClinGen allele CA8127665.